The following is an entry in ClinVar:

ClinVar aggregate classification (germline): Uncertain significance (1 of 4 stars; one submission).

Conditions:
Dilated cardiomyopathy 1W (CMD1W). Identifiers: Orphanet 154, MedGen C1969639, MONDO:0012667, OMIM 611407.

Submission:

Labcorp Genetics (formerly Invitae), Labcorp
Classification: Uncertain significance for Dilated cardiomyopathy 1W. Last evaluated: 2025-03-30. Review status: criteria provided, single submitter. Criteria: Invitae Variant Classification Sherloc (09022015). Collection method: clinical testing. Allele origin: germline.
Comment: This sequence change replaces threonine, which is neutral and polar, with asparagine, which is neutral and polar, at codon 719 of the VCL protein (p.Thr719Asn). This variant is not present in population databases (gnomAD no frequency). This variant has not been reported in the literature in individuals affected with VCL-related conditions. An algorithm developed to predict the effect of missense changes on protein structure and function (PolyPhen-2) suggests that this variant is likely to be disruptive. In summary, the available evidence is currently insufficient to determine the role of this variant in disease. Therefore, it has been classified as a Variant of Uncertain Significance.

NM_014000.3(VCL):c.2156C>A (p.Thr719Asn)

Gene: VCL (vinculin; plus strand). Cytogenetic location: 10q22.2.
Variant type: single nucleotide variant.
Coding change: c.2156C>A on transcript NM_014000.3 (MANE Select); coding-DNA position 2156, C replaced by A.
Protein change: p.Thr719Asn; replaces threonine 719 with asparagine.
Molecular consequence: missense variant.
Genome position (GRCh38, 1-based): chr10:74,105,075, C>A. VCF-style: chr10-74105075-C-A. GRCh37 (hg19) VCF-style: chr10-75864833-C-A.
Other names: c.2156C>A, p.Thr719Asn (NM_003373.4); short protein forms T719N.
Identifiers: ClinVar variation 4742517 (VCV004742517.1).